The following is an entry in ClinVar:

ClinVar aggregate classification (germline): Uncertain significance. Review status: criteria provided, multiple submitters, no conflicts (2 of 4 stars). 3 submissions from 3 submitters: Uncertain significance (3). Last evaluated 2024-03-18.

Conditions:
RASopathy. Also called: rasopathies; Noonan spectrum disorder. Identifiers: Orphanet 536391, MedGen C5555857, MONDO:0021060.
Cardiofaciocutaneous syndrome 4 (CFC4). Also called: MAP2K2-Related Cardiofaciocutaneous Syndrome. Identifiers: Orphanet 1340, MedGen C3809007, MONDO:0014114, OMIM 615280.
Noonan syndrome (NS). Also called: Noonan's syndrome. Identifiers: Orphanet 648, MedGen C0028326, MeSH D009634, MONDO:0018997. Disease mechanism: gain of function.

Allele frequency attached by ClinVar (database versions not stated): gnomAD 0.00001.
gnomAD v4.1: 2 of 1,546,438 alleles (0.00013%); highest among the groups gnomAD compares: Admixed American, 0.0019%; no homozygotes.

Submissions (3):

Fulgent Genetics
Classification: Uncertain significance for Cardiofaciocutaneous syndrome 4. Last evaluated: 2024-03-18. Review status: criteria provided, single submitter. Criteria: ACMG Guidelines, 2015. Collection method: clinical testing. Allele origin: germline.

Labcorp Genetics (formerly Invitae), Labcorp
Classification: Uncertain significance for RASopathy. Last evaluated: 2022-04-11. Review status: criteria provided, single submitter. Criteria: Invitae Variant Classification Sherloc (09022015). Collection method: clinical testing. Allele origin: germline.
Comment: Advanced modeling of protein sequence and biophysical properties (such as structural, functional, and spatial information, amino acid conservation, physicochemical variation, residue mobility, and thermodynamic stability) performed at Invitae indicates that this missense variant is not expected to disrupt MAP2K2 protein function. ClinVar contains an entry for this variant (Variation ID: 620595). This variant has not been reported in the literature in individuals affected with MAP2K2-related conditions. This variant is not present in population databases (gnomAD no frequency). This sequence change replaces proline, which is neutral and non-polar, with threonine, which is neutral and polar, at codon 16 of the MAP2K2 protein (p.Pro16Thr). In summary, the available evidence is currently insufficient to determine the role of this variant in disease. Therefore, it has been classified as a Variant of Uncertain Significance.

St. Jude Molecular Pathology, St. Jude Children's Research Hospital
Classification: Uncertain significance for Noonan syndrome. Last evaluated: 2020-09-22. Review status: criteria provided, single submitter. Criteria: St. Jude Assertion Criteria 2020. Collection method: clinical testing. Allele origin: germline.

NM_030662.4(MAP2K2):c.46C>A (p.Pro16Thr)

Genes: MAP2K2 (mitogen-activated protein kinase kinase 2; minus strand), LOC130063193 (ATAC-STARR-seq lymphoblastoid silent region 9881; plus strand). Cytogenetic location: 19p13.3.
Variant type: single nucleotide variant.
Coding change: c.46C>A on transcript NM_030662.4 (MANE Select); coding-DNA position 46, C replaced by A.
Protein change: p.Pro16Thr; replaces proline 16 with threonine.
Molecular consequence: missense variant.
Genome position (GRCh38, 1-based): chr19:4,123,830, G>T on the plus strand (C>A on the coding strand, the complement: MAP2K2 is on the minus strand). VCF-style: chr19-4123830-G-T. GRCh37 (hg19) VCF-style: chr19-4123827-G-T.
Other names: short protein forms P16T.
Identifiers: ClinVar variation 620595 (VCV000620595.9), dbSNP rs904859028, ClinGen allele CA304449330.